The following is an entry in ClinVar:

ClinVar aggregate classification (germline): Pathogenic/Likely pathogenic. Review status: criteria provided, multiple submitters, no conflicts (2 of 4 stars). 3 submissions from 3 submitters: Pathogenic (1); Likely pathogenic (2). Last evaluated 2025-06-29.

Conditions:
Familial isolated arrhythmogenic right ventricular dysplasia. Identifiers: Orphanet 217656, MedGen C4274968, MONDO:0016342.
Arrhythmogenic right ventricular dysplasia 9 (ARVD9). Also called: Arrhythmogenic Right Ventricular Dysplasia/Cardiomyopathy 9; ARRHYTHMOGENIC RIGHT VENTRICULAR DYSPLASIA, FAMILIAL, 9. Identifiers: MedGen C1836906, MONDO:0012180, OMIM 609040.
Arrhythmogenic right ventricular cardiomyopathy (ARVD). Also called: Arrhythmogenic cardiomyopathy; Arrhythmogenic Right Ventricular Cardiomyopathy (ARVC); Cardiomyopathy, ARVC; Arrhythmogenic right ventricular dysplasia. Identifiers: Orphanet 247, MedGen C0349788, MeSH D019571, MONDO:0016587. Disease mechanism: loss of function. Inheritance: Various modes of inheritance.

Submissions (3):

Labcorp Genetics (formerly Invitae), Labcorp
Classification: Pathogenic for Arrhythmogenic right ventricular dysplasia 9. Last evaluated: 2025-06-29. Review status: criteria provided, single submitter. Criteria: Invitae Variant Classification Sherloc (09022015). Collection method: clinical testing. Allele origin: germline.
Comment: This sequence change creates a premature translational stop signal (p.Leu614Serfs*42) in the PKP2 gene. It is expected to result in an absent or disrupted protein product. Loss-of-function variants in PKP2 are known to be pathogenic (PMID: 15489853, 17041889, 23911551). This variant is not present in population databases (gnomAD no frequency). This variant has not been reported in the literature in individuals affected with PKP2-related conditions. ClinVar contains an entry for this variant (Variation ID: 496256). For these reasons, this variant has been classified as Pathogenic.

Women's Health and Genetics/Laboratory Corporation of America, LabCorp
Classification: Likely pathogenic for Familial isolated arrhythmogenic right ventricular dysplasia. Last evaluated: 2016-05-10. Review status: criteria provided, single submitter. Criteria: LabCorp Variant Classification Summary - May 2015. Collection method: clinical testing. Allele origin: germline.
Comment: Variant summary: The PKP2 c.1840delC (p.Leu614Serfs) variant causes a frameshift mutation resulting in a premature termination codon, a known mechanism for disease, as these types of variants are predicted to cause transcript degradation through nonsense mediated decay or produce a truncated protein. Truncations and frameshifts downstream of this position have been classified as pathogenic by our laboratory (e.g. p.Ser837fs). The variant of interest was not observed in controls (ExAC, 1000 Gs, or ESP), nor has it been, to our knowledge, reported in affected individuals via publications and/or reputable databases/clinical laboratories. Therefore, taking all available lines of evidence into consideration, the variant of interest is classified as a Likely Pathogenic.

Laboratory for Molecular Medicine, Mass General Brigham Personalized Medicine
Classification: Likely pathogenic for Arrhythmogenic right ventricular cardiomyopathy. Last evaluated: 2016-01-26. Review status: criteria provided, single submitter. Criteria: LMM Criteria. Collection method: clinical testing. Allele origin: germline. Inheritance: Autosomal dominant inheritance. Observed: 1 variant allele.
Comment: The p.Leu614fs variant in PKP2 has not been previously reported in individuals w ith cardiomyopathy or in large population studies. This variant is predicted to cause a frameshift, which alters the protein?s amino acid sequence beginning at position 614 and leads to a premature termination codon 42 amino acids downstrea m. This alteration is then predicted to lead to a truncated or absent protein. H eterozygous loss of function of the PKP2 gene is an established disease mechanis m in individuals with arrhythmogenic right ventricular cardiomyopathy. In summar y, although additional studies are required to fully establish its clinical sign ificance, the p.Leu614fs variant is likely pathogenic.

Literature cited by the submitters: PubMed 15489853 (cited by Labcorp Genetics (formerly Invitae), Labcorp); PubMed 17041889 (cited by Labcorp Genetics (formerly Invitae), Labcorp); PubMed 23911551 (cited by Labcorp Genetics (formerly Invitae), Labcorp).

NM_001005242.3(PKP2):c.1708del (p.Leu570fs)

Gene: PKP2 (plakophilin 2; minus strand). Cytogenetic location: 12p11.21.
Variant type: Deletion.
Coding change: c.1708del on transcript NM_001005242.3 (MANE Select); coding-DNA position 1708, one base deleted (C; older notation c.1708delC).
Protein change: p.Leu570fs; shifts the reading frame from leucine 570.
Molecular consequence: frameshift variant.
Genome position (GRCh38, 1-based): chr12:32,822,598, G deleted on the plus strand (C on the coding strand, the reverse complement: PKP2 is on the minus strand); the first of 2 consecutive G bases (chr12:32,822,598-32,822,599); deleting either gives the same sequence. VCF-style (leftmost placement, unchanged base first): chr12-32822597-AG-A. GRCh37 (hg19) VCF-style: chr12-32975531-AG-A.
Other names: c.1840del, p.Leu614fs (NM_004572.4); c.1840delC (NM_004572.3); short protein forms L614fs, L570fs.
Identifiers: ClinVar variation 496256 (VCV000496256.6), dbSNP rs1555142994, ClinGen allele CA658683782.